The following is an entry in ClinVar:

ClinVar aggregate classification (germline): Uncertain significance (1 of 4 stars; one submission).

Conditions:
Cardiovascular phenotype. Identifiers: MedGen CN230736.

Submission:

Ambry Genetics
Classification: Uncertain significance for Cardiovascular phenotype. Last evaluated: 2026-02-23. Review status: criteria provided, single submitter. Criteria: Ambry Variant Classification Scheme 2023. Collection method: clinical testing. Allele origin: germline.
Comment: The p.I327L variant (also known as c.979A>T), located in coding exon 8 of the SOS1 gene, results from an A to T substitution at nucleotide position 979. The isoleucine at codon 327 is replaced by leucine, an amino acid with highly similar properties. This amino acid position is highly conserved in available vertebrate species. In addition, this alteration is predicted to be tolerated by in silico analysis. Based on the available evidence, the clinical significance of this variant remains unclear.

NM_005633.4(SOS1):c.979A>T (p.Ile327Leu)

Gene: SOS1 (SOS Ras/Rac guanine nucleotide exchange factor 1; minus strand). Cytogenetic location: 2p22.1.
Variant type: single nucleotide variant.
Coding change: c.979A>T on transcript NM_005633.4 (MANE Select); coding-DNA position 979, A replaced by T.
Protein change: p.Ile327Leu; replaces isoleucine 327 with leucine.
Molecular consequence: missense variant.
Genome position (GRCh38, 1-based): chr2:39,035,307, T>A on the plus strand (A>T on the coding strand, the complement: SOS1 is on the minus strand). VCF-style: chr2-39035307-T-A. GRCh37 (hg19) VCF-style: chr2-39262448-T-A.
Other names: c.958A>T, p.Ile320Leu (NM_001382394.1); c.979A>T, p.Ile327Leu (NM_001382395.1); short protein forms I320L, I327L.
Identifiers: ClinVar variation 4827547 (VCV004827547.1).